The following is an entry in ClinVar:

ClinVar aggregate classification (germline): Uncertain significance (1 of 4 stars; one submission).

Conditions:
Charcot-Marie-Tooth disease axonal type 2O. Also called: CHARCOT-MARIE-TOOTH NEUROPATHY, AXONAL, TYPE 2O; CHARCOT-MARIE-TOOTH DISEASE, AXONAL, AUTOSOMAL DOMINANT, TYPE 2O; Charcot-Marie-Tooth Neuropathy Type 2O; Charcot-Marie-Tooth disease, axonal, type 20. Identifiers: Orphanet 284232, MedGen C3280220, MONDO:0013644, OMIM 614228.

Submission:

Labcorp Genetics (formerly Invitae), Labcorp
Classification: Uncertain significance for Charcot-Marie-Tooth disease axonal type 2O. Last evaluated: 2022-02-05. Review status: criteria provided, single submitter. Criteria: Invitae Variant Classification Sherloc (09022015). Collection method: clinical testing. Allele origin: germline.
Comment: This variant is not present in population databases (gnomAD no frequency). This variant has not been reported in the literature in individuals affected with DYNC1H1-related conditions. ClinVar contains an entry for this variant (Variation ID: 1058210). Advanced modeling of protein sequence and biophysical properties (such as structural, functional, and spatial information, amino acid conservation, physicochemical variation, residue mobility, and thermodynamic stability) performed at Invitae indicates that this missense variant is not expected to disrupt DYNC1H1 protein function. In summary, the available evidence is currently insufficient to determine the role of this variant in disease. Therefore, it has been classified as a Variant of Uncertain Significance. This sequence change replaces leucine, which is neutral and non-polar, with methionine, which is neutral and non-polar, at codon 4344 of the DYNC1H1 protein (p.Leu4344Met).

NM_001376.5(DYNC1H1):c.13030C>A (p.Leu4344Met)

Gene: DYNC1H1 (dynein cytoplasmic 1 heavy chain 1; plus strand). Cytogenetic location: 14q32.31.
Variant type: single nucleotide variant.
Coding change: c.13030C>A on transcript NM_001376.5 (MANE Select); coding-DNA position 13030, C replaced by A.
Protein change: p.Leu4344Met; replaces leucine 4344 with methionine.
Molecular consequence: missense variant.
Genome position (GRCh38, 1-based): chr14:102,047,840, C>A. VCF-style: chr14-102047840-C-A. GRCh37 (hg19) VCF-style: chr14-102514177-C-A.
Other names: short protein forms L4344M.
Identifiers: ClinVar variation 1058210 (VCV001058210.9), dbSNP rs2152600128, ClinGen allele CA391045675.